The following is an entry in ClinVar:

ClinVar aggregate classification (germline): Likely pathogenic (1 of 4 stars; one submission).

Conditions:
Primary ciliary dyskinesia 3. Identifiers: Orphanet 244, MedGen C1837618, MONDO:0012085, OMIM 608644.

Submission:

Myriad Genetics, Inc.
Classification: Likely pathogenic for Primary ciliary dyskinesia 3. Last evaluated: 2022-03-30. Review status: criteria provided, single submitter. Criteria: Myriad Women's Health Autosomal Recessive and X-Linked Classification Criteria (2021). Collection method: clinical testing. Allele origin: unknown.
Comment: NM_001369.2(DNAH5):c.5613_5616delAGAC(I1871Mfs*7) is expected to be pathogenic in the context of DNAH5-related primary ciliary dyskinesia. This variant is predicted to lead to an abnormal or absent protein product due to the creation of a premature termination codon in DNAH5, a gene where loss-of-function variants are known to be pathogenic. Please note: this variant was assessed in the context of healthy population screening.

NM_001369.3(DNAH5):c.5613_5616del (p.Ile1871fs)

Gene: DNAH5 (dynein axonemal heavy chain 5; minus strand). Cytogenetic location: 5p15.2.
Variant type: Deletion.
Coding change: c.5613_5616del on transcript NM_001369.3 (MANE Select); coding-DNA positions 5613 to 5616, 4 bases deleted (AGAC; older notation c.5613_5616delAGAC).
Protein change: p.Ile1871fs; shifts the reading frame from isoleucine 1871.
Molecular consequence: frameshift variant.
Genome position (GRCh38, 1-based): chr5:13,840,999-13,841,002, GTCT deleted on the plus strand (AGAC on the coding strand, the reverse complement: DNAH5 is on the minus strand). VCF-style (leftmost placement, unchanged base first): chr5-13840998-CGTCT-C. GRCh37 (hg19) VCF-style: chr5-13841107-CGTCT-C.
Other names: short protein forms I1871fs.
Identifiers: ClinVar variation 1725556 (VCV001725556.2), dbSNP rs2546908108, ClinGen allele CA2580072070.